The following is an entry in ClinVar:

NM_016030.6(TRAPPC12):c.713C>A (p.Pro238His)

Gene: TRAPPC12 (trafficking protein particle complex subunit 12; plus strand). Cytogenetic location: 2p25.3.
Variant type: single nucleotide variant.
Coding change: c.713C>A on transcript NM_016030.6 (MANE Select); coding-DNA position 713, C replaced by A.
Protein change: p.Pro238His; replaces proline 238 with histidine.
Molecular consequence: missense variant.
Genome position (GRCh38, 1-based): chr2:3,388,336, C>A. VCF-style: chr2-3388336-C-A. GRCh37 (hg19) VCF-style: chr2-3392107-C-A.
Other names: c.713C>A, p.Pro238His (NM_001321102.2); short protein forms P238H.
Identifiers: ClinVar variation 3460908 (VCV003460908.2).

ClinVar aggregate classification (germline): Uncertain significance. Review status: criteria provided, multiple submitters, no conflicts (2 of 4 stars). 2 submissions from 2 submitters: Uncertain significance (2). Last evaluated 2026-01-30.

Conditions:
Inborn genetic diseases. Identifiers: MedGen C0950123, MeSH D030342.

gnomAD v4.1: 17 of 1,594,302 alleles (0.0011%); highest among the groups gnomAD compares: African/African-American, 0.022%; no homozygotes.

Submissions (2):

GeneDx
Classification: Uncertain significance. Last evaluated: 2026-01-30. Review status: criteria provided, single submitter. Criteria: GeneDx Variant Classification Process June 2021. Collection method: clinical testing. Allele origin: germline.
Comment: In silico analysis supports that this missense variant has a deleterious effect on protein structure/function; Has not been previously published as pathogenic or benign to our knowledge

Ambry Genetics
Classification: Uncertain significance for Inborn genetic diseases. Last evaluated: 2024-11-12. Review status: criteria provided, single submitter. Criteria: Ambry Variant Classification Scheme 2023. Collection method: clinical testing. Allele origin: germline.